The following is an entry in ClinVar:

ClinVar aggregate classification (germline): Uncertain significance. Review status: criteria provided, multiple submitters, no conflicts (2 of 4 stars). 2 submissions from 2 submitters: Uncertain significance (2). Last evaluated 2025-12-09.

Conditions:
Intellectual disability, autosomal dominant 9 (NESCAVS). Also called: KIF1A-Related Neurodevelopmental Disorder; NESCAV SYNDROME. Identifiers: Orphanet 662367, MedGen C5393830, MONDO:0013656, OMIM 614255.
Neuropathy, hereditary sensory, type 2C. Also called: KIF1A-Related HSAN2 (HSAN2C); Hereditary sensory and autonomic neuropathy type IIC. Identifiers: Orphanet 970, MedGen C3280168, MONDO:0013634, OMIM 614213.
Hereditary spastic paraplegia 30. Identifiers: Orphanet 101010, MedGen C5235139, MONDO:0012476.

Submissions (2):

3billion
Classification: Uncertain significance for Intellectual disability, autosomal dominant 9. Last evaluated: 2025-12-09. Review status: criteria provided, single submitter. Criteria: ACMG Guidelines, 2015. Collection method: clinical testing. Allele origin: germline. Affected: yes.
Comment: The variant is not observed in the gnomAD v4.1.0 dataset. Predicted Consequence/Location: Missense variant In silico tool predictions suggest damaging effect of the variant on gene or gene product [REVEL: 0.82 (>=0.6, sensitivity 0.68 and specificity 0.92)]. Therefore, this variant is classified as VUS according to the recommendation of ACMG/AMP guideline.

Labcorp Genetics (formerly Invitae), Labcorp
Classification: Uncertain significance for Hereditary spastic paraplegia 30; Neuropathy, hereditary sensory, type 2C; Intellectual disability, autosomal dominant 9. Last evaluated: 2025-04-03. Review status: criteria provided, single submitter. Criteria: Invitae Variant Classification Sherloc (09022015). Collection method: clinical testing. Allele origin: germline.
Comment: This sequence change replaces leucine, which is neutral and non-polar, with phenylalanine, which is neutral and non-polar, at codon 1169 of the KIF1A protein (p.Leu1169Phe). This variant is not present in population databases (gnomAD no frequency). This variant has not been reported in the literature in individuals affected with KIF1A-related conditions. Invitae Evidence Modeling of protein sequence and biophysical properties (such as structural, functional, and spatial information, amino acid conservation, physicochemical variation, residue mobility, and thermodynamic stability) indicates that this missense variant is not expected to disrupt KIF1A protein function with a negative predictive value of 95%. In summary, the available evidence is currently insufficient to determine the role of this variant in disease. Therefore, it has been classified as a Variant of Uncertain Significance.

NM_001244008.2(KIF1A):c.3808C>T (p.Leu1270Phe)

Genes: KIF1A (kinesin family member 1A; minus strand), LOC126806583 (P300/CBP strongly-dependent group 1 enhancer GRCh37_chr2:241678910-241680109; plus strand). Cytogenetic location: 2q37.3.
Variant type: single nucleotide variant.
Coding change: c.3808C>T on transcript NM_001244008.2 (MANE Select); coding-DNA position 3808, C replaced by T.
Protein change: p.Leu1270Phe; replaces leucine 1270 with phenylalanine.
Molecular consequence: missense variant.
Genome position (GRCh38, 1-based): chr2:240,740,306, G>A on the plus strand (C>T on the coding strand, the complement: KIF1A is on the minus strand). VCF-style: chr2-240740306-G-A. GRCh37 (hg19) VCF-style: chr2-241679723-G-A.
Other names: c.3532C>T, p.Leu1178Phe (NM_001320705.2, NM_001330289.2, NM_001379638.1); c.3607C>T, p.Leu1203Phe (NM_001330290.2, NM_001379634.1, NM_001379635.1 and 1 more transcripts); c.3883C>T, p.Leu1295Phe (NM_001379631.1); c.3757C>T, p.Leu1253Phe (NM_001379632.1); c.3781C>T, p.Leu1261Phe (NM_001379633.1, NM_001379642.1, NM_001379645.1); c.3505C>T, p.Leu1169Phe (NM_001379636.1, NM_001379639.1, NM_001379641.1 and 5 more transcripts); c.3580C>T, p.Leu1194Phe (NM_001379637.1, NM_001379648.1); c.3502C>T, p.Leu1168Phe (NM_001379640.1); short protein forms L1194F, L1203F, L1270F, L1295F, L1169F, L1178F, L1253F, L1168F.
Identifiers: ClinVar variation 4791865 (VCV004791865.2).